The following is an entry in ClinVar:

NM_006070.6(TFG):c.535A>G (p.Lys179Glu)

Gene: TFG (trafficking from ER to golgi regulator; plus strand). Cytogenetic location: 3q12.2.
Variant type: single nucleotide variant.
Coding change: c.535A>G on transcript NM_006070.6 (MANE Select); coding-DNA position 535, A replaced by G.
Protein change: p.Lys179Glu; replaces lysine 179 with glutamic acid.
Molecular consequence: missense variant.
Genome position (GRCh38, 1-based): chr3:100,732,627, A>G. VCF-style: chr3-100732627-A-G. GRCh37 (hg19) VCF-style: chr3-100451471-A-G.
Other names: c.535A>G, p.Lys179Glu (NM_001007565.2, NM_001195478.2, NM_001195479.2); short protein forms K179E.
Identifiers: ClinVar variation 4793906 (VCV004793906.1).

ClinVar aggregate classification (germline): Uncertain significance (1 of 4 stars; one submission).

Conditions:
Hereditary motor and sensory neuropathy, Okinawa type (HMSNO). Also called: HEREDITARY MOTOR AND SENSORY NEUROPATHY, PROXIMAL TYPE. Identifiers: Orphanet 90117, MedGen C1858338, MONDO:0011468, OMIM 604484.
Hereditary spastic paraplegia 57. Also called: Spastic paraplegia 57, autosomal recessive. Identifiers: Orphanet 431329, MedGen C3714897, MONDO:0014295, OMIM 615658.

Submission:

Labcorp Genetics (formerly Invitae), Labcorp
Classification: Uncertain significance for Hereditary motor and sensory neuropathy, Okinawa type; Hereditary spastic paraplegia 57. Last evaluated: 2025-10-01. Review status: criteria provided, single submitter. Criteria: Invitae Variant Classification Sherloc (09022015). Collection method: clinical testing. Allele origin: germline.
Comment: This sequence change replaces lysine, which is basic and polar, with glutamic acid, which is acidic and polar, at codon 179 of the TFG protein (p.Lys179Glu). This variant is not present in population databases (gnomAD no frequency). This variant has not been reported in the literature in individuals affected with TFG-related conditions. Invitae Evidence Modeling of protein sequence and biophysical properties (such as structural, functional, and spatial information, amino acid conservation, physicochemical variation, residue mobility, and thermodynamic stability) indicates that this missense variant is not expected to disrupt TFG protein function with a negative predictive value of 80%. In summary, the available evidence is currently insufficient to determine the role of this variant in disease. Therefore, it has been classified as a Variant of Uncertain Significance.